The following is an entry in ClinVar:

ClinVar aggregate classification (germline): Likely benign (1 of 4 stars; one submission).

Allele frequency attached by ClinVar (database versions not stated): 1000 Genomes Project 0.00260; 1000 Genomes Project 30x 0.00265; gnomAD 0.00350; TOPMed 0.00369; ExAC 0.00371; ESP Exome Variant Server 0.00377; gnomAD exomes 0.00518.
gnomAD v4.1: 8,089 of 1,613,768 alleles (0.5%); highest among the groups gnomAD compares: Non-Finnish European, 0.61%; 37 homozygotes.

Submission:

CeGaT Center for Human Genetics Tuebingen
Classification: Likely benign. Last evaluated: 2022-04-01. Review status: criteria provided, single submitter. Criteria: CeGaT Center For Human Genetics Tuebingen Variant Classification Criteria Version 2. Collection method: clinical testing. Allele origin: germline. Affected: yes. Observed: 2 variant alleles.
Comment: FAM135B: BP4, BP7

NM_015912.4(FAM135B):c.3096C>T (p.Asn1032=)

Gene: FAM135B (family with sequence similarity 135 member B; minus strand). Cytogenetic location: 8q24.23.
Variant type: single nucleotide variant.
Coding change: c.3096C>T on transcript NM_015912.4 (MANE Select); coding-DNA position 3096, C replaced by T.
Protein change: p.Asn1032=; no amino-acid change (asparagine 1032 retained).
Molecular consequence: synonymous variant.
Genome position (GRCh38, 1-based): chr8:138,151,379, G>A on the plus strand (C>T on the coding strand, the complement: FAM135B is on the minus strand). VCF-style: chr8-138151379-G-A. GRCh37 (hg19) VCF-style: chr8-139163622-G-A.
Other names: c.3096C>T, p.Asn1032= (NM_001362965.2).
Identifiers: ClinVar variation 2658848 (VCV002658848.24), dbSNP rs117634087, ClinGen allele CA4889192.
Genomic context (GRCh38, chr8:138,151,379, plus strand): 5'-AGGGGTCTCCTTGGGCACAGATGAGAAAGGGAGACAGGTGGCAGTGCAAGACACAGATAA[G>A]TTCACAACCTCCACAGCCTTCAGGCTGTCCAGAGTAAAGGTCTCTGCAGAAGTCAGATGG-3'
Protein context (NP_056996.2, residues 1022-1042): LDSLKAVEVV[Asn1032=]LSVSCTATCL